The following is an entry in ClinVar:

ClinVar aggregate classification (germline): Conflicting classifications of pathogenicity. Review status: criteria provided, conflicting classifications (1 of 4 stars). 9 submissions from 9 submitters: Uncertain significance (1); Benign (1); Likely benign (6). 1 of the submissions does not count toward it. Last evaluated 2026-04-01.

Conditions:
MYH14-related disorder. Also called: MYH14-related condition.
Autosomal dominant nonsyndromic hearing loss 4A. Also called: Deafness, autosomal dominant 4A. Identifiers: Orphanet 90635, MedGen C1833503, MONDO:0010915, OMIM 600652.

Allele frequency attached by ClinVar (database versions not stated): 1000 Genomes Project 30x 0.00016; 1000 Genomes Project 0.00020; gnomAD 0.00052; TOPMed 0.00055; ESP Exome Variant Server 0.00085.
gnomAD v4.1: 821 of 1,595,566 alleles (0.051%); highest among the groups gnomAD compares: Middle Eastern, 0.12%; no homozygotes.

Submissions (9):

CeGaT Center for Human Genetics Tuebingen
Classification: Likely benign. Last evaluated: 2026-04-01. Review status: criteria provided, single submitter. Criteria: CeGaT Center For Human Genetics Tuebingen Variant Classification Criteria Version 2. Collection method: clinical testing. Allele origin: germline. Affected: yes. Observed: 3 variant alleles.
Comment: MYH14: BP4, BS1

Labcorp Genetics (formerly Invitae), Labcorp
Classification: Likely benign. Last evaluated: 2026-01-17. Review status: criteria provided, single submitter. Criteria: Invitae Variant Classification Sherloc (09022015). Collection method: clinical testing. Allele origin: germline.

Women's Health and Genetics/Laboratory Corporation of America, LabCorp
Classification: Likely benign. Last evaluated: 2025-09-03. Review status: criteria provided, single submitter. Criteria: LabCorp Variant Classification Summary - May 2015. Collection method: clinical testing. Allele origin: germline.
Comment: Variant summary: MYH14 c.1895G>A (p.Arg632Gln) results in a conservative amino acid change in the encoded protein sequence. Algorithms developed to predict the effect of missense changes on protein structure and function all suggest that this variant is likely to be tolerated. The variant allele was found at a frequency of 0.00068 in 218616 control chromosomes (gnomAD). The observed variant frequency exceeds the estimated maximal expected allele frequency for disease-causing variants in MYH14. c.1895G>A has been observed in an individual(s) affected with nonsyndromic hearing loss with other co-occurring variants and without evidence of causality (e.g., Shearer_2013). This report does not provide unequivocal conclusions about association of the variant with Autosomal dominant nonsyndromic hearing loss 4A. To our knowledge, no experimental evidence demonstrating an impact on protein function has been reported. The following publication has been ascertained in the context of this evaluation (PMID: 23804846). ClinVar contains an entry for this variant (Variation ID: 228871). Based on the evidence outlined above, the variant was classified as likely benign.

Blueprint Genetics
Classification: Likely benign. Last evaluated: 2024-10-30. Review status: criteria provided, single submitter. Criteria: ACMG Guidelines, 2015. Collection method: clinical testing. Allele origin: germline.

Mayo Clinic Laboratories, Mayo Clinic
Classification: Benign. Last evaluated: 2024-09-30. Review status: criteria provided, single submitter. Criteria: ACMG Guidelines, 2015. Collection method: clinical testing. Allele origin: germline. Observed: 4 variant alleles.
Comment: BS1, BS2

GeneDx
Classification: Likely benign. Last evaluated: 2020-01-14. Review status: criteria provided, single submitter. Criteria: GeneDx Variant Classification Process June 2021. Collection method: clinical testing. Allele origin: germline. Affected: yes.
Comment: This variant is associated with the following publications: (PMID: 23804846)

Illumina Laboratory Services, Illumina
Classification: Likely benign for Autosomal dominant nonsyndromic hearing loss 4A. Last evaluated: 2017-04-27. Review status: criteria provided, single submitter. Criteria: ICSL Variant Classification Criteria 13 December 2019. Collection method: clinical testing. Allele origin: germline.
Comment: This variant was observed as part of a predisposition screen in an ostensibly healthy population. A literature search was performed for the gene, cDNA change, and amino acid change (where applicable). Publications were found based on this search. The evidence from the literature, in combination with allele frequency data from public databases where available, was sufficient to determine this variant is unlikely to cause disease. Therefore, this variant is classified as likely benign.

Laboratory for Molecular Medicine, Mass General Brigham Personalized Medicine
Classification: Uncertain significance. Last evaluated: 2014-12-30. Review status: criteria provided, single submitter. Criteria: LMM Criteria. Collection method: clinical testing. Allele origin: germline. Observed: 1 variant allele.
Comment: Variant classified as Uncertain Significance - Favor Benign. The p.Arg640Gln var iant in MYH14 has not been previously reported in individuals with hearing loss. This variant has been identified in 0.2% (52/26604) of European chromosomes by the Exome Aggregation Consortium (ExAC; dbSNP rs 199696801). Although this variant has been seen in the general population, its f requency is not high enough to rule out a pathogenic role. Computational predict ion tools and conservation analyses suggest that the Arg640Gln variant may not i mpact the protein, though this information is not predictive enough to rule out pathogenicity. In summary, while the clinical significance of the p.Arg640Gln va riant is uncertain, these data suggest that it is more likely to be benign.

PreventionGenetics, part of Exact Sciences
Classification: Likely benign for MYH14-related condition. Last evaluated: 2021-11-10. Review status: no assertion criteria provided. Collection method: clinical testing. Allele origin: germline. Not counted in ClinVar's aggregate classification.
Comment: This variant is classified as likely benign based on ACMG/AMP sequence variant interpretation guidelines (Richards et al. 2015 PMID: 25741868, with internal and published modifications).

Literature cited by the submitters: PubMed 23804846 (cited by Women's Health and Genetics/Laboratory Corporation of America, LabCorp); PubMed 26284702 (cited by Illumina Laboratory Services, Illumina).

NM_001145809.2(MYH14):c.1919G>A (p.Arg640Gln)

Gene: MYH14 (myosin heavy chain 14; plus strand). Cytogenetic location: 19q13.33.
Variant type: single nucleotide variant.
Coding change: c.1919G>A on transcript NM_001145809.2 (MANE Select); coding-DNA position 1919, G replaced by A.
Protein change: p.Arg640Gln; replaces arginine 640 with glutamine.
Molecular consequence: missense variant.
Genome position (GRCh38, 1-based): chr19:50,252,727, G>A. VCF-style: chr19-50252727-G-A. GRCh37 (hg19) VCF-style: chr19-50755984-G-A.
Other names: p.Arg632Gln; c.1919G>A, p.Arg640Gln (NM_001077186.2); c.1895G>A, p.Arg632Gln (NM_024729.4); short protein forms R640Q, R632Q.
Identifiers: ClinVar variation 228871 (VCV000228871.41), dbSNP rs199696801, ClinGen allele CA9592748.